The following is an entry in ClinVar:

ClinVar aggregate classification (germline): Pathogenic (1 of 4 stars; one submission).

Conditions:
Cardiovascular phenotype. Identifiers: MedGen CN230736.
Hereditary cancer-predisposing syndrome. Also called: Neoplastic Syndromes, Hereditary; Tumor predisposition; Hereditary Cancer Syndrome; Hereditary neoplastic syndrome. Identifiers: Orphanet 140162, MedGen C0027672, MeSH D009386, MONDO:0015356.

Submission:

Ambry Genetics
Classification: Pathogenic for Cardiovascular phenotype; Hereditary cancer-predisposing syndrome. Last evaluated: 2025-11-26. Review status: criteria provided, single submitter. Criteria: Ambry Variant Classification Scheme 2023. Collection method: clinical testing. Allele origin: germline.
Comment: The c.4615delT pathogenic mutation, located in coding exon 34 of the NF1 gene, results from a deletion of one nucleotide at nucleotide position 4615, causing a translational frameshift with a predicted alternate stop codon (p.S1539Pfs*14). This variant was reported in individual(s) with features consistent with neurofibromatosis type 1 (Ambry internal data). This variant is considered to be rare based on population cohorts in the Genome Aggregation Database (gnomAD). This alteration is expected to result in loss of function by premature protein truncation or nonsense-mediated mRNA decay. As such, this alteration is interpreted as a disease-causing mutation.

NM_001042492.3(NF1):c.4678del (p.Ser1560fs)

Gene: NF1 (neurofibromin 1; plus strand). Cytogenetic location: 17q11.2.
Variant type: Deletion.
Coding change: c.4678del on transcript NM_001042492.3 (MANE Select); coding-DNA position 4678, one base deleted (T; older notation c.4678delT).
Protein change: p.Ser1560fs; shifts the reading frame from serine 1560.
Molecular consequence: frameshift variant.
Genome position (GRCh38, 1-based): chr17:31,261,811, T deleted. VCF-style (leftmost placement, unchanged base first): chr17-31261810-GT-G. GRCh37 (hg19) VCF-style: chr17-29588828-GT-G.
Other names: c.4615del, p.Ser1539fs (NM_000267.4); short protein forms S1539fs, S1560fs.
Identifiers: ClinVar variation 4615817 (VCV004615817.1).
Genomic context (GRCh38, chr17:31,261,810, plus strand): 5'-GGCAACACTTCTTGCATACCTGGGTCCTCCAGAGCACAAACCTGTGGCAGATACACACTG[GT>G]CCAGCCTTAACCTTACCAGTTCAAAGTTTGAGGAATTTATGACTAGGTAAAGTACAACCT-3'